The following is an entry in ClinVar:

ClinVar aggregate classification (germline): Uncertain significance (1 of 4 stars; one submission).

Conditions:
STING-associated vasculopathy with onset in infancy. Also called: Sting-associated vasculopathy, infantile-onset. Identifiers: Orphanet 425120, MedGen C4014722, MONDO:0014405, OMIM 615934.

Allele frequency attached by ClinVar (database versions not stated): ExAC 0.00002; TOPMed 0.00001; gnomAD exomes 0.00004 and 0.00001.
gnomAD v4.1: 25 of 1,614,140 alleles (0.0015%); highest among the groups gnomAD compares: East Asian, 0.045%; no homozygotes.

Submission:

Labcorp Genetics (formerly Invitae), Labcorp
Classification: Uncertain significance for STING-associated vasculopathy with onset in infancy. Last evaluated: 2025-12-11. Review status: criteria provided, single submitter. Criteria: Invitae Variant Classification Sherloc (09022015). Collection method: clinical testing. Allele origin: germline.
Comment: This sequence change replaces arginine, which is basic and polar, with glutamine, which is neutral and polar, at codon 191 of the TMEM173 protein (p.Arg191Gln). This variant is present in population databases (rs750561744, gnomAD 0.01%). This variant has not been reported in the literature in individuals affected with TMEM173-related conditions. ClinVar contains an entry for this variant (Variation ID: 1062566). An algorithm developed to predict the effect of missense changes on protein structure and function outputs the following: PolyPhen-2: "Benign". The glutamine amino acid residue is found in multiple mammalian species, which suggests that this missense change does not adversely affect protein function. Algorithms developed to predict the effect of sequence changes on RNA splicing suggest that this variant may create or strengthen a splice site. In summary, the available evidence is currently insufficient to determine the role of this variant in disease. Therefore, it has been classified as a Variant of Uncertain Significance.

NM_198282.4(STING1):c.572G>A (p.Arg191Gln)

Gene: STING1 (stimulator of interferon response cGAMP interactor 1; minus strand). Cytogenetic location: 5q31.2.
Variant type: single nucleotide variant.
Coding change: c.572G>A on transcript NM_198282.4 (MANE Select); coding-DNA position 572, G replaced by A.
Protein change: p.Arg191Gln; replaces arginine 191 with glutamine.
Molecular consequence: missense variant.
Genome position (GRCh38, 1-based): chr5:139,478,457, C>T on the plus strand (G>A on the coding strand, the complement: STING1 is on the minus strand). VCF-style: chr5-139478457-C-T. GRCh37 (hg19) VCF-style: chr5-138858042-C-T.
Other names: c.572G>A, p.Arg191Gln (NM_001301738.2); c.215G>A, p.Arg72Gln (NM_001367258.1); short protein forms R191Q, R72Q.
Identifiers: ClinVar variation 1062566 (VCV001062566.11), dbSNP rs750561744, ClinGen allele CA3435367.